The following is an entry in ClinVar:

NM_004304.5(ALK):c.617C>T (p.Ala206Val)

Gene: ALK (ALK receptor tyrosine kinase; minus strand). Cytogenetic location: 2p23.1.
Variant type: single nucleotide variant.
Coding change: c.617C>T on transcript NM_004304.5 (MANE Select); coding-DNA position 617, C replaced by T.
Protein change: p.Ala206Val; replaces alanine 206 with valine.
Molecular consequence: missense variant.
Genome position (GRCh38, 1-based): chr2:29,920,043, G>A on the plus strand (C>T on the coding strand, the complement: ALK is on the minus strand). VCF-style: chr2-29920043-G-A. GRCh37 (hg19) VCF-style: chr2-30142909-G-A.
Other names: c.617C>T (NM_004304.4); short protein forms A206V.
Identifiers: ClinVar variation 1437301 (VCV001437301.10), dbSNP rs1337143722, ClinGen allele CA346589678.
Genomic context (GRCh38, chr2:29,920,043, plus strand): 5'-AGCTGCTCACCAGTCCCGAAGATCTGGAAGAGAAGGCGGGGCTGGGAGGCGCGAATTGCC[G>A]CGGACAGCCTTCCCTCTCTGCCCACTTCCGACGCCTTCTTCTCGGGCATCAGGCGGATCC-3'
Protein context (NP_004295.2, residues 196-216): SEVGREGRLS[Ala206Val]AIRASQPRLL

ClinVar aggregate classification (germline): Uncertain significance. Review status: criteria provided, multiple submitters, no conflicts (2 of 4 stars). 3 submissions from 3 submitters: Uncertain significance (3). Last evaluated 2025-04-20.

Conditions:
Hereditary cancer-predisposing syndrome. Also called: Neoplastic Syndromes, Hereditary; Hereditary Cancer Syndrome; Tumor predisposition; Hereditary neoplastic syndrome. Identifiers: Orphanet 140162, MedGen C0027672, MeSH D009386, MONDO:0015356.
Neuroblastoma, susceptibility to, 3. Also called: ALK-Related Neuroblastic Tumor Susceptibility. Identifiers: Orphanet 635, MedGen C2751681, MONDO:0013083, OMIM 613014.

Allele frequency attached by ClinVar (database versions not stated): gnomAD exomes below 0.00001.
gnomAD v4.1: 1 of 1,614,190 alleles (0.000062%); highest among the groups gnomAD compares: Non-Finnish European, 0.000085%; no homozygotes.

Submissions (3):

Ambry Genetics
Classification: Uncertain significance for Hereditary cancer-predisposing syndrome. Last evaluated: 2025-04-20. Review status: criteria provided, single submitter. Criteria: Ambry Variant Classification Scheme 2023. Collection method: clinical testing. Allele origin: germline.
Comment: The p.A206V variant (also known as c.617C>T), located in coding exon 1 of the ALK gene, results from a C to T substitution at nucleotide position 617. The alanine at codon 206 is replaced by valine, an amino acid with similar properties. This amino acid position is conserved. In addition, this alteration is predicted to be tolerated by in silico analysis. Based on the available evidence, the clinical significance of this variant remains unclear.

Labcorp Genetics (formerly Invitae), Labcorp
Classification: Uncertain significance for Neuroblastoma, susceptibility to, 3. Last evaluated: 2025-04-07. Review status: criteria provided, single submitter. Criteria: Invitae Variant Classification Sherloc (09022015). Collection method: clinical testing. Allele origin: germline.
Comment: This sequence change replaces alanine, which is neutral and non-polar, with valine, which is neutral and non-polar, at codon 206 of the ALK protein (p.Ala206Val). This variant is present in population databases (no rsID available, gnomAD 0.0009%). This variant has not been reported in the literature in individuals affected with ALK-related conditions. ClinVar contains an entry for this variant (Variation ID: 1437301). An algorithm developed to predict the effect of missense changes on protein structure and function (PolyPhen-2) suggests that this variant is likely to be tolerated. In summary, the available evidence is currently insufficient to determine the role of this variant in disease. Therefore, it has been classified as a Variant of Uncertain Significance.

GeneDx
Classification: Uncertain significance. Last evaluated: 2023-11-16. Review status: criteria provided, single submitter. Criteria: GeneDx Variant Classification Process June 2021. Collection method: clinical testing. Allele origin: germline. Affected: yes.
Comment: Not observed at significant frequency in large population cohorts (gnomAD); In silico analysis supports that this missense variant does not alter protein structure/function; Has not been previously published as pathogenic or benign to our knowledge